The following is an entry in ClinVar:

ClinVar aggregate classification (germline): Likely benign (1 of 4 stars; one submission).

Submission:

Women's Health and Genetics/Laboratory Corporation of America, LabCorp
Classification: Likely benign. Last evaluated: 2025-12-11. Review status: criteria provided, single submitter. Criteria: LabCorp Variant Classification Summary - May 2015. Collection method: clinical testing. Allele origin: germline.
Comment: Variant summary: POGZ c.1780-11A>G alters a nucleotide located at a position not widely known to affect splicing. Consensus agreement among computation tools predict no significant impact on normal splicing. However, these predictions have yet to be confirmed by functional studies. The variant allele was found at a frequency of 8.6e-05 in 242910 control chromosomes. This frequency is not significantly higher than estimated for disease-causing variants in POGZ, allowing no conclusion about variant significance. To our knowledge, no occurrence of c.1780-11A>G in individuals affected with POGZ-related conditions and no experimental evidence demonstrating its impact on protein function have been reported. No submitters have cited clinical-significance assessments for this variant to ClinVar. Based on the evidence outlined above, the variant was classified as likely benign.

NM_015100.4(POGZ):c.1780-11A>G

Gene: POGZ (pogo transposable element derived with ZNF domain; minus strand). Cytogenetic location: 1q21.3.
Variant type: single nucleotide variant.
Coding change: c.1780-11A>G on transcript NM_015100.4 (MANE Select); 11 bases into the intron before coding-DNA position 1780, A replaced by G.
Molecular consequence: intron variant.
Genome position (GRCh38, 1-based): chr1:151,411,782, T>C on the plus strand (A>G on the coding strand, the complement: POGZ is on the minus strand). VCF-style: chr1-151411782-T-C. GRCh37 (hg19) VCF-style: chr1-151384258-T-C.
Other names: c.1594-11A>G (NM_001194938.2); c.1495-11A>G (NM_145796.4); c.1753-11A>G (NM_001194937.2); c.1801-11A>G (NM_001410860.1); c.1621-11A>G (NM_207171.2).
Identifiers: ClinVar variation 4688367 (VCV004688367.1).